The following is an entry in ClinVar:

NM_012186.3(FOXE3):c.166_167delinsAA (p.Ala56Lys)

Genes: FOXE3 (forkhead box E3; plus strand), LINC01389 (long independently transcribed non-coding RNA 1389; minus strand). Cytogenetic location: 1p33.
Variant type: Indel.
Coding change: c.166_167delinsAA on transcript NM_012186.3 (MANE Select); coding-DNA positions 166 to 167, GC replaced by AA.
Protein change: p.Ala56Lys; replaces alanine 56 with lysine.
Molecular consequence: missense variant.
Genome position (GRCh38, 1-based): chr1:47,416,481-47,416,482, GC replaced by AA. VCF-style: chr1-47416481-GC-AA. GRCh37 (hg19) VCF-style: chr1-47882153-GC-AA.
Other names: short protein forms A56K.
Identifiers: ClinVar variation 5041855 (VCV005041855.1).

ClinVar aggregate classification (germline): Uncertain significance (1 of 4 stars; one submission).

Submission:

CeGaT Center for Human Genetics Tuebingen
Classification: Uncertain significance. Last evaluated: 2026-09-01. Review status: criteria provided, single submitter. Criteria: CeGaT Center For Human Genetics Tuebingen Variant Classification Criteria Version 2. Collection method: clinical testing. Allele origin: germline. Affected: yes. Observed: 1 variant allele.
Comment: FOXE3: PM2, PM3:Supporting